The following is an entry in ClinVar:

ClinVar aggregate classification (germline): Likely benign (1 of 4 stars; one submission).

gnomAD v4.1: 10 of 1,613,988 alleles (0.00062%); highest among the groups gnomAD compares: Non-Finnish European, 0.00085%; no homozygotes.

Submission:

CeGaT Center for Human Genetics Tuebingen
Classification: Likely benign. Last evaluated: 2026-01-01. Review status: criteria provided, single submitter. Criteria: CeGaT Center For Human Genetics Tuebingen Variant Classification Criteria Version 2. Collection method: clinical testing. Allele origin: germline. Affected: yes. Observed: 1 variant allele.
Comment: GABRA5: BP4, BP7

NM_000810.4(GABRA5):c.177C>G (p.Gly59=)

Gene: GABRA5 (gamma-aminobutyric acid type A receptor subunit alpha5; plus strand). Cytogenetic location: 15q12.
Variant type: single nucleotide variant.
Coding change: c.177C>G on transcript NM_000810.4 (MANE Select); coding-DNA position 177, C replaced by G.
Protein change: p.Gly59=; no amino-acid change (glycine 59 retained).
Molecular consequence: synonymous variant.
Genome position (GRCh38, 1-based): chr15:26,880,936, C>G. VCF-style: chr15-26880936-C-G. GRCh37 (hg19) VCF-style: chr15-27126083-C-G.
Other names: c.177C>G, p.Gly59= (NM_001165037.2).
Identifiers: ClinVar variation 4822674 (VCV004822674.4).